The following is an entry in ClinVar:

ClinVar aggregate classification (germline): Uncertain significance. Review status: criteria provided, multiple submitters, no conflicts (2 of 4 stars). 2 submissions from 2 submitters: Uncertain significance (2). Last evaluated 2024-09-10.

Conditions:
Joubert syndrome. Also called: CEREBELLOPARENCHYMAL DISORDER IV; JOUBERT-BOLTSHAUSER SYNDROME; Familial aplasia of the vermis. Identifiers: Orphanet 475, MedGen C5979921, MONDO:0018772.
Meckel-Gruber syndrome. Also called: DYSENCEPHALIA SPLANCHNOCYSTICA; GRUBER SYNDROME; Dysencephalia splachnocystica. Identifiers: Orphanet 564, MedGen C0265215, MONDO:0018921.
Joubert syndrome 28 (JBTS28). Identifiers: MedGen C4310705, MONDO:0014928, OMIM 617121.
Meckel syndrome, type 1 (MKS1). Also called: MECKEL-GRUBER SYNDROME, TYPE 1. Identifiers: Orphanet 564, MedGen C3714506, MONDO:0009571, OMIM 249000.
Bardet-Biedl syndrome 13 (BBS13). Identifiers: Orphanet 110, MedGen C2673873, MONDO:0014441, OMIM 615990.

gnomAD v4.1: 16 of 1,614,096 alleles (0.00099%); highest among the groups gnomAD compares: Non-Finnish European, 0.0014%; no homozygotes.

Submissions (2):

Labcorp Genetics (formerly Invitae), Labcorp
Classification: Uncertain significance for Joubert syndrome; Meckel-Gruber syndrome. Last evaluated: 2024-09-10. Review status: criteria provided, single submitter. Criteria: Invitae Variant Classification Sherloc (09022015). Collection method: clinical testing. Allele origin: germline.
Comment: This sequence change replaces tyrosine, which is neutral and polar, with cysteine, which is neutral and slightly polar, at codon 134 of the MKS1 protein (p.Tyr134Cys). This variant is present in population databases (rs747461404, gnomAD 0.003%). This variant has not been reported in the literature in individuals affected with MKS1-related conditions. Invitae Evidence Modeling of protein sequence and biophysical properties (such as structural, functional, and spatial information, amino acid conservation, physicochemical variation, residue mobility, and thermodynamic stability) indicates that this missense variant is not expected to disrupt MKS1 protein function with a negative predictive value of 80%. In summary, the available evidence is currently insufficient to determine the role of this variant in disease. Therefore, it has been classified as a Variant of Uncertain Significance.

Fulgent Genetics
Classification: Uncertain significance for Meckel syndrome, type 1; Bardet-Biedl syndrome 13; Joubert syndrome 28. Last evaluated: 2024-05-03. Review status: criteria provided, single submitter. Criteria: ACMG Guidelines, 2015. Collection method: clinical testing. Allele origin: germline.

NM_017777.4(MKS1):c.401A>G (p.Tyr134Cys)

Gene: MKS1 (MKS transition zone complex subunit 1; minus strand). Cytogenetic location: 17q22.
Variant type: single nucleotide variant.
Coding change: c.401A>G on transcript NM_017777.4 (MANE Select); coding-DNA position 401, A replaced by G.
Protein change: p.Tyr134Cys; replaces tyrosine 134 with cysteine.
Molecular consequence: missense variant. On other transcripts: 5 prime UTR variant (1).
Genome position (GRCh38, 1-based): chr17:58,216,104, T>C on the plus strand (A>G on the coding strand, the complement: MKS1 is on the minus strand). VCF-style: chr17-58216104-T-C. GRCh37 (hg19) VCF-style: chr17-56293465-T-C.
Other names: c.-111A>G (NM_001321268.2); c.401A>G, p.Tyr134Cys (NM_001321269.2, NM_001330397.2, NM_001411113.1); short protein forms Y134C.
Identifiers: ClinVar variation 3582361 (VCV003582361.3).